The following is an entry in ClinVar:

NM_000138.5(FBN1):c.6676G>A (p.Gly2226Arg)

Gene: FBN1 (fibrillin 1; minus strand). Cytogenetic location: 15q21.1.
Variant type: single nucleotide variant.
Coding change: c.6676G>A on transcript NM_000138.5 (MANE Select); coding-DNA position 6676, G replaced by A.
Protein change: p.Gly2226Arg; replaces glycine 2226 with arginine.
Molecular consequence: missense variant.
Genome position (GRCh38, 1-based): chr15:48,432,929, C>T on the plus strand (G>A on the coding strand, the complement: FBN1 is on the minus strand). VCF-style: chr15-48432929-C-T. GRCh37 (hg19) VCF-style: chr15-48725126-C-T.
Other names: short protein forms G2226R.
Identifiers: ClinVar variation 1437189 (VCV001437189.7), dbSNP rs2141235108, ClinGen allele CA392333488.

ClinVar aggregate classification (germline): Uncertain significance. Review status: criteria provided, multiple submitters, no conflicts (2 of 4 stars). 2 submissions from 2 submitters: Uncertain significance (2). Last evaluated 2021-10-27.

Conditions:
Marfan syndrome (MFS). Also called: MARFAN SYNDROME, TYPE I; Marfan syndrome type 1; Marfan's syndrome; Marfan syndrome, classic; FBN1-Related Marfan Syndrome. Identifiers: Orphanet 284963, Orphanet 558, MedGen C0024796, MONDO:0007947, OMIM 154700.
Familial thoracic aortic aneurysm and aortic dissection (TAAD). Also called: Thoracic aortic aneurysms and dissections. Identifiers: Orphanet 91387, MedGen C4707243, MONDO:0019625.

Submissions (2):

Labcorp Genetics (formerly Invitae), Labcorp
Classification: Uncertain significance for Marfan syndrome; Familial thoracic aortic aneurysm and aortic dissection. Last evaluated: 2021-10-27. Review status: criteria provided, single submitter. Criteria: Invitae Variant Classification Sherloc (09022015). Collection method: clinical testing. Allele origin: germline.
Comment: In summary, the available evidence is currently insufficient to determine the role of this variant in disease. Therefore, it has been classified as a Variant of Uncertain Significance. Algorithms developed to predict the effect of sequence changes on RNA splicing suggest that this variant may create or strengthen a splice site. Advanced modeling of protein sequence and biophysical properties (such as structural, functional, and spatial information, amino acid conservation, physicochemical variation, residue mobility, and thermodynamic stability) performed at Invitae indicates that this missense variant is expected to disrupt FBN1 protein function. This variant has not been reported in the literature in individuals affected with FBN1-related conditions. This variant is not present in population databases (gnomAD no frequency). This sequence change replaces glycine, which is neutral and non-polar, with arginine, which is basic and polar, at codon 2226 of the FBN1 protein (p.Gly2226Arg).

Breakthrough Genomics
Classification: Uncertain significance. Review status: criteria provided, single submitter. Criteria: ACMG Guidelines, 2015. Collection method: not provided. Allele origin: germline. Inheritance: Autosomal dominant inheritance. Affected: yes.